The following is an entry in ClinVar:

ClinVar aggregate classification (germline): Uncertain significance (1 of 4 stars; one submission).

Conditions:
Muscular dystrophy-dystroglycanopathy. Also called: Congenital muscular dystrophy due to dystroglycanopathy. Identifiers: Orphanet 370953, MedGen C5679911, MONDO:0018276.

Allele frequency attached by ClinVar (database versions not stated): ExAC 0.00001; TOPMed 0.00001.

Submission:

Broad Center for Mendelian Genomics, Broad Institute of MIT and Harvard
Classification: Uncertain significance for Muscular dystrophy-dystroglycanopathy. Last evaluated: 2023-01-24. Review status: criteria provided, single submitter. Criteria: ACMG Guidelines, 2015. Collection method: curation. Allele origin: germline. Inheritance: Autosomal recessive inheritance.
Comment: The p.Arg19Gln variant in POMGNT1 has been reported in 1 individual with POMGNT1-associated muscular dystrophy-dystroglycanopathy (PMID 33200426), and has been identified in 0.003% of (1/34580) Latino/Admixed American chromosomes by the Genome Aggregation Database (gnomAD; dbSNP ID: rs752103260). Although this variant has been seen in the general population in a heterozygous state, its frequency is low enough to be consistent with a recessive carrier frequency. Computational prediction tools and conservation analyses do not provide strong support for or against an impact to the protein. In summary, the clinical significance of the p.Arg19Gln variant is uncertain. ACMG/AMP Criteria applied: PM2_supporting (Richards 2015).

NM_017739.4(POMGNT1):c.56G>A (p.Arg19Gln)

Gene: POMGNT1 (protein O-linked mannose N-acetylglucosaminyltransferase 1 (beta 1,2-); minus strand). Cytogenetic location: 1p34.1.
Variant type: single nucleotide variant.
Coding change: c.56G>A on transcript NM_017739.4 (MANE Select); coding-DNA position 56, G replaced by A.
Protein change: p.Arg19Gln; replaces arginine 19 with glutamine.
Molecular consequence: missense variant.
Genome position (GRCh38, 1-based): chr1:46,197,766, C>T on the plus strand (G>A on the coding strand, the complement: POMGNT1 is on the minus strand). VCF-style: chr1-46197766-C-T. GRCh37 (hg19) VCF-style: chr1-46663438-C-T.
Other names: NM_017739.4:c.56G>A; c.56G>A, p.Arg19Gln (NM_001243766.2, NM_001410783.1); short protein forms R19Q.
Identifiers: ClinVar variation 2412675 (VCV002412675.1), dbSNP rs752103260, ClinGen allele CA833889.